The following is an entry in ClinVar:

NM_001655.5(ARCN1):c.1030A>G (p.Ile344Val)

Gene: ARCN1 (archain 1 coat protein complex I subunit delta; plus strand). Cytogenetic location: 11q23.3.
Variant type: single nucleotide variant.
Coding change: c.1030A>G on transcript NM_001655.5 (MANE Select); coding-DNA position 1030, A replaced by G.
Protein change: p.Ile344Val; replaces isoleucine 344 with valine.
Molecular consequence: missense variant.
Genome position (GRCh38, 1-based): chr11:118,592,754, A>G. VCF-style: chr11-118592754-A-G. GRCh37 (hg19) VCF-style: chr11-118463469-A-G.
Other names: c.766A>G, p.Ile256Val (NM_001142281.2); c.1030A>G (NM_001655.4); short protein forms I256V, I344V.
Identifiers: ClinVar variation 1462469 (VCV001462469.7), dbSNP rs200207376, ClinGen allele CA6306204.

ClinVar aggregate classification (germline): Conflicting classifications of pathogenicity. Review status: criteria provided, conflicting classifications (1 of 4 stars). 2 submissions from 2 submitters: Uncertain significance (1); Likely benign (1). Last evaluated 2024-07-11.

Conditions:
Inborn genetic diseases. Identifiers: MedGen C0950123, MeSH D030342.

Allele frequency attached by ClinVar (database versions not stated): gnomAD exomes below 0.00001 and 0.00004; gnomAD 0.00001; ExAC 0.00002; TOPMed 0.00002; 1000 Genomes Project 0.00020; 1000 Genomes Project 30x 0.00031.
gnomAD v4.1: 10 of 1,614,058 alleles (0.00062%); highest among the groups gnomAD compares: East Asian, 0.0089%; no homozygotes.

Submissions (2):

Labcorp Genetics (formerly Invitae), Labcorp
Classification: Uncertain significance. Last evaluated: 2024-07-11. Review status: criteria provided, single submitter. Criteria: Invitae Variant Classification Sherloc (09022015). Collection method: clinical testing. Allele origin: germline.
Comment: This sequence change replaces isoleucine, which is neutral and non-polar, with valine, which is neutral and non-polar, at codon 344 of the ARCN1 protein (p.Ile344Val). This variant is present in population databases (rs200207376, gnomAD 0.03%). This variant has not been reported in the literature in individuals affected with ARCN1-related conditions. ClinVar contains an entry for this variant (Variation ID: 1462469). An algorithm developed to predict the effect of missense changes on protein structure and function (PolyPhen-2) suggests that this variant is likely to be tolerated. In summary, the available evidence is currently insufficient to determine the role of this variant in disease. Therefore, it has been classified as a Variant of Uncertain Significance.

Ambry Genetics
Classification: Likely benign for Inborn genetic diseases. Last evaluated: 2024-01-23. Review status: criteria provided, single submitter. Criteria: Ambry Variant Classification Scheme 2023. Collection method: clinical testing. Allele origin: germline.